The following is an entry in ClinVar:

NM_004369.4(COL6A3):c.6309G>C (p.Lys2103Asn)

Genes: COL6A3 (collagen type VI alpha 3 chain; minus strand), LOC122889011 (Sharpr-MPRA regulatory region 1020; plus strand). Cytogenetic location: 2q37.3.
Variant type: single nucleotide variant.
Coding change: c.6309G>C on transcript NM_004369.4 (MANE Select); coding-DNA position 6309, G replaced by C.
Protein change: p.Lys2103Asn; replaces lysine 2103 with asparagine.
Molecular consequence: missense variant.
Genome position (GRCh38, 1-based): chr2:237,359,362, C>G on the plus strand (G>C on the coding strand, the complement: COL6A3 is on the minus strand). VCF-style: chr2-237359362-C-G. GRCh37 (hg19) VCF-style: chr2-238268005-C-G.
Other names: c.4488G>C, p.Lys1496Asn (NM_057166.5); c.5691G>C, p.Lys1897Asn (NM_057167.4); short protein forms K1897N, K2103N, K1496N.
Identifiers: ClinVar variation 801913 (VCV000801913.8), dbSNP rs1574975196, ClinGen allele CA351216223.

ClinVar aggregate classification (germline): Conflicting classifications of pathogenicity. Review status: criteria provided, conflicting classifications (1 of 4 stars). 3 submissions from 3 submitters: Likely pathogenic (1); Uncertain significance (2). Last evaluated 2024-12-02.

Conditions:
Bethlem myopathy 1A. Also called: Bethlem myopathy 1; MYOPATHY, BENIGN CONGENITAL, WITH CONTRACTURES; Bethlem Muscular Dystrophy. Identifiers: Orphanet 610, MedGen CN029274, MONDO:0024530, OMIM 158810.

Submissions (3):

Labcorp Genetics (formerly Invitae), Labcorp
Classification: Uncertain significance for Bethlem myopathy 1A. Last evaluated: 2024-12-02. Review status: criteria provided, single submitter. Criteria: Invitae Variant Classification Sherloc (09022015). Collection method: clinical testing. Allele origin: germline.
Comment: This sequence change replaces lysine, which is basic and polar, with asparagine, which is neutral and polar, at codon 2103 of the COL6A3 protein (p.Lys2103Asn). This variant also falls at the last nucleotide of exon 18, which is part of the consensus splice site for this exon. This variant is not present in population databases (gnomAD no frequency). This variant has not been reported in the literature in individuals affected with COL6A3-related conditions. ClinVar contains an entry for this variant (Variation ID: 801913). An algorithm developed to predict the effect of missense changes on protein structure and function (PolyPhen-2) suggests that this variant is likely to be disruptive. Variants that disrupt the consensus splice site are a relatively common cause of aberrant splicing (PMID: 17576681, 9536098). Algorithms developed to predict the effect of sequence changes on RNA splicing suggest that this variant may disrupt the consensus splice site. This variant disrupts the c.6309G nucleotide in the COL6A3 gene. Other variant(s) that disrupt this nucleotide have been determined to be pathogenic (internal data). This suggests that this nucleotide is clinically significant, and that variants that disrupt this position are likely to be disease-causing. In summary, the available evidence is currently insufficient to determine the role of this variant in disease. Therefore, it has been classified as a Variant of Uncertain Significance.

Blueprint Genetics
Classification: Uncertain significance. Last evaluated: 2022-09-07. Review status: criteria provided, single submitter. Criteria: ACMG Guidelines, 2015. Collection method: clinical testing. Allele origin: germline.

Mendelics
Classification: Likely pathogenic for Bethlem myopathy 1A. Last evaluated: 2019-05-28. Review status: criteria provided, single submitter. Criteria: Mendelics Assertion Criteria 2017. Collection method: clinical testing. Allele origin: unknown.

Literature cited by the submitters: PubMed 17576681 (cited by Labcorp Genetics (formerly Invitae), Labcorp); PubMed 9536098 (cited by Labcorp Genetics (formerly Invitae), Labcorp).